The following is an entry in ClinVar:

NM_001384125.1(BLTP1):c.2992G>T (p.Asp998Tyr)

Gene: BLTP1 (bridge-like lipid transfer protein family member 1; plus strand). Cytogenetic location: 4q27.
Variant type: single nucleotide variant.
Coding change: c.2992G>T on transcript NM_001384125.1 (MANE Select); coding-DNA position 2992, G replaced by T.
Protein change: p.Asp998Tyr; replaces aspartic acid 998 with tyrosine.
Molecular consequence: missense variant.
Genome position (GRCh38, 1-based): chr4:122,229,190, G>T. VCF-style: chr4-122229190-G-T. GRCh37 (hg19) VCF-style: chr4-123150345-G-T.
Other names: c.2992G>T, p.Asp998Tyr (NM_015312.4); short protein forms D998Y.
Identifiers: ClinVar variation 1679595 (VCV001679595.4), dbSNP rs751410260, ClinGen allele CA3066047.
Genomic context (GRCh38, chr4:122,229,190, plus strand): 5'-ATTCCTGGGCCTTGTCCAACTTCAGATGATTTGAAATATACTATGATTCGTTTAGCAGTA[G>T]ATGGAGCCGATATTTACATTGTTGAGCATGGTTGTGCTACAAATATAAAGGTAAGTGTTT-3'
Protein context (NP_001371054.1, residues 988-1008): LKYTMIRLAV[Asp998Tyr]GADIYIVEHG

ClinVar aggregate classification (germline): Uncertain significance. Review status: criteria provided, multiple submitters, no conflicts (2 of 4 stars). 2 submissions from 2 submitters: Uncertain significance (2). Last evaluated 2025-07-02.

Conditions:
Alkuraya-Kucinskas syndrome. Identifiers: Orphanet 610569, MedGen C4693347, MONDO:0060631, OMIM 617822.

Allele frequency attached by ClinVar (database versions not stated): gnomAD exomes 0.00001; gnomAD 0.00002 and 0.00005; TOPMed 0.00008; ExAC 0.00002.
gnomAD v4.1: 9 of 1,612,034 alleles (0.00056%); highest among the groups gnomAD compares: Admixed American, 0.012%; no homozygotes.

Submissions (2):

Ambry Genetics
Classification: Uncertain significance. Last evaluated: 2025-07-02. Review status: criteria provided, single submitter. Criteria: Ambry Variant Classification Scheme 2023. Collection method: clinical testing. Allele origin: germline.

New York Genome Center
Classification: Uncertain significance for Alkuraya-Kucinskas syndrome. Last evaluated: 2021-06-11. Review status: criteria provided, single submitter. Criteria: NYGC Assertion Criteria 2020. Collection method: clinical testing. Allele origin: inherited. Observed: 1 compound heterozygote. Study: CSER-NYCKidSeq.
Comment: The inherited c.2992G>T (p.Asp998Tyr) variant identified in the KIAA1109 gene substitutes a well conserved Aspartic Acid for Tyrosine atamino acid 998/5006 (exon 23/84). This variant is found with low frequency in gnomAD(v3.1.1) (7 heterozygotes, 0 homozygotes; allele frequency: 4.60e-5) suggesting it is not a common benign variant in the populations represented in that database. In silico algorithms predict this variant to be Damaging (SIFT;score:0.00) and Benign (REVEL; score: 0.5329) to the function of the canonical transcript. This variant is absent from ClinVar and to our current knowledge has notbeen reported in affected individuals in the literature. The p.Asp998 residue is not within a functional domain of KIAA1109 (UniProtKB:Q2LD37). Given the lack of compelling evidence for its pathogenicity, the inherited c.2992G>T (p.Asp998Tyr) variant identified in the KIAA1109 gene is reported as a Variant of Uncertain Significance.